The following is an entry in ClinVar:

ClinVar aggregate classification (germline): Pathogenic (1 of 4 stars; one submission).

Conditions:
Cardiac arrhythmia. Also called: Arrhythmia; Cardiac rhythm disease. Identifiers: MedGen C0003811, MONDO:0007263, HP:0011675.

Submission:

Color Diagnostics, LLC DBA Color Health
Classification: Pathogenic for Cardiac arrhythmia. Last evaluated: 2023-12-13. Review status: criteria provided, single submitter. Criteria: ACMG Guidelines, 2015. Collection method: clinical testing. Allele origin: germline.
Comment: This variant deletes 34 nucleotides in exon 12 of the KCNH2 gene, creating a frameshift and premature translation stop signal. An in vitro functional study has shown that this variant results in a truncated protein product with lower expression level compared to wild type leading to a reduction of whole cell current densities in transfected cells (PMID: 18984536). This variant has been reported in an individual affected with long QT syndrome (PMID: 16922724). This variant has not been identified in the general population by the Genome Aggregation Database (gnomAD). Loss of KCNH2 function is a known mechanism of disease. Based on the available evidence, this variant is classified as Pathogenic.

Literature cited by the submitters: PubMed 16922724; PubMed 18984536.

NM_000238.4(KCNH2):c.2742_2775del (p.Ala915fs)

Gene: KCNH2 (potassium voltage-gated channel subfamily H member 2; minus strand). Cytogenetic location: 7q36.1.
Variant type: Deletion.
Coding change: c.2742_2775del on transcript NM_000238.4 (MANE Select); coding-DNA positions 2742 to 2775, 34 bases deleted.
Protein change: p.Ala915fs; shifts the reading frame from alanine 915.
Molecular consequence: frameshift variant.
Genome position (GRCh38, 1-based): chr7:150,947,796-150,947,829, 34 bases deleted; deleting any 34 consecutive bases within chr7:150,947,796-150,947,832 gives the same sequence; the c. name uses the placement nearest the transcript's 3' end. GRCh37 (hg19): chr7:150,644,887-150,644,920.
Other names: c.2454_2487del, p.Ala819fs (NM_001406753.1); c.1722_1755del, p.Ala575fs (NM_172057.3); short protein forms A575fs, A819fs, A915fs.
Identifiers: ClinVar variation 2773424 (VCV002773424.2), dbSNP rs2486007901, ClinGen allele CA658761318.